The following is an entry in ClinVar:

NM_000095.3(COMP):c.887C>T (p.Pro296Leu)

Gene: COMP (cartilage oligomeric matrix protein; minus strand). Cytogenetic location: 19p13.11.
Variant type: single nucleotide variant.
Coding change: c.887C>T on transcript NM_000095.3 (MANE Select); coding-DNA position 887, C replaced by T.
Protein change: p.Pro296Leu; replaces proline 296 with leucine.
Molecular consequence: missense variant.
Genome position (GRCh38, 1-based): chr19:18,788,300, G>A on the plus strand (C>T on the coding strand, the complement: COMP is on the minus strand). VCF-style: chr19-18788300-G-A. GRCh37 (hg19) VCF-style: chr19-18899109-G-A.
Other names: short protein forms P296L.
Identifiers: ClinVar variation 1472178 (VCV001472178.7), dbSNP rs1601057167, ClinGen allele CA404891644.
Genomic context (GRCh38, chr19:18,788,300, plus strand): 5'-GCATCCGGATCGCAGGCGTCTCCGATGCCATCGCGGTCCACATCCTCCTGCCCTGAGTTG[G>A]GCACAGTCACGCAGTTGTCCTGGGGGCGGGCACAGAAGGTGTGAGGGGCGCGGTCATGAA-3'
Protein context (NP_000086.2, residues 286-306): QCRKDNCVTV[Pro296Leu]NSGQEDVDRD

ClinVar aggregate classification (germline): Conflicting classifications of pathogenicity. Review status: criteria provided, conflicting classifications (1 of 4 stars). 2 submissions from 2 submitters: Likely pathogenic (1); Uncertain significance (1). Last evaluated 2022-02-17.

Submissions (2):

Labcorp Genetics (formerly Invitae), Labcorp
Classification: Likely pathogenic. Last evaluated: 2022-02-17. Review status: criteria provided, single submitter. Criteria: Invitae Variant Classification Sherloc (09022015). Collection method: clinical testing. Allele origin: germline.
Comment: This variant is not present in population databases (gnomAD no frequency). In summary, the currently available evidence indicates that the variant is pathogenic, but additional data are needed to prove that conclusively. Therefore, this variant has been classified as Likely Pathogenic. This variant disrupts the p.Pro296 amino acid residue in COMP. Other variant(s) that disrupt this residue have been observed in individuals with COMP-related conditions (PMID: 24595329; Invitae), which suggests that this may be a clinically significant amino acid residue. Advanced modeling of protein sequence and biophysical properties (such as structural, functional, and spatial information, amino acid conservation, physicochemical variation, residue mobility, and thermodynamic stability) performed at Invitae indicates that this missense variant is expected to disrupt COMP protein function. This missense change has been observed in individuals with clinical features of COMP-related conditions and/or multiple epiphyseal dysplasia (Invitae). This sequence change replaces proline, which is neutral and non-polar, with leucine, which is neutral and non-polar, at codon 296 of the COMP protein (p.Pro296Leu).

Blueprint Genetics
Classification: Uncertain significance. Last evaluated: 2021-09-06. Review status: criteria provided, single submitter. Criteria: ACMG Guidelines, 2015. Collection method: clinical testing. Allele origin: germline.

Literature cited by the submitters: PubMed 24595329 (cited by Labcorp Genetics (formerly Invitae), Labcorp).